The following is an entry in ClinVar:

ClinVar aggregate classification (germline): Conflicting classifications of pathogenicity. Review status: criteria provided, conflicting classifications (1 of 4 stars). 2 submissions from 2 submitters: Pathogenic (1); Uncertain significance (1). Last evaluated 2025-10-15.

Conditions:
Ogden syndrome (OGDNS). Also called: N-TERMINAL ACETYLTRANSFERASE DEFICIENCY. Identifiers: Orphanet 276432, MedGen C3275447, MONDO:0010457, OMIM 300855.

Submissions (3):

Arnesen Lab, University of Bergen
Classification: Pathogenic for Ogden syndrome. Last evaluated: 2025-10-15. Review status: criteria provided, single submitter. Criteria: ACMG Guidelines, 2015. Collection method: clinical testing, in vitro. Allele origin: de novo, not applicable. Inheritance: X-linked inheritance. Affected: yes. Functional consequence: effect on protein activity.
Comment: NM_003491.4 c.386A>C p.(Gln129Pro) is a missense variant in the NAA10 gene. Functional studies in vitro have shown that the NAA10 p.(Gln129Pro) variant destabilises NAA10 and disrupts its enzymatic activity, thereby supporting that this variant has a damaging effect on NAA10 (PMID: 35039925) (PS3). This variant has been identified as de novo in two unrelated probands (both maternity and paternity confirmed) (PMID: 35039925 and internal data) (PS2). The variant is located in the catalytic domain of NAA10 (PM1) and is not present in gnomAD v.4.1.0 (PM2). Missense variants in NAA10 are a common mechanism of disease (PP2) (PMID: 37130971, PMID: 35039925, PMID: 27094817, PMID: 32027362). Computational evidence supports that this variant is damaging (PP3). In summary, NAA10 c.386A>C p.(Gln129Pro) meets the criteria PS3, PS2, PM1, PM2, PP2, and PP3, and can be classified as pathogenic based on ACMG Guidelines 2015 (≥2 strong criteria).

Labcorp Genetics (formerly Invitae), Labcorp
Classification: Uncertain significance. Last evaluated: 2019-03-22. Review status: criteria provided, single submitter. Criteria: Invitae Variant Classification Sherloc (09022015). Collection method: clinical testing. Allele origin: germline.
Comment: This variant has not been reported in the literature in individuals with NAA10-related conditions. Algorithms developed to predict the effect of missense changes on protein structure and function are either unavailable or do not agree on the potential impact of this missense change (SIFT: "Deleterious"; PolyPhen-2: "Benign"; Align-GVGD: "Class C0"). This sequence change replaces glutamine with proline at codon 129 of the NAA10 protein (p.Gln129Pro). The glutamine residue is moderately conserved and there is a moderate physicochemical difference between glutamine and proline. This variant is not present in population databases (ExAC no frequency). In summary, the available evidence is currently insufficient to determine the role of this variant in disease. Therefore, it has been classified as a Variant of Uncertain Significance.

Dr. Peter K. Rogan Lab, Western University
No classification provided (evidence only). Condition: Nonpapillary renal cell carcinoma. Review status: no classification provided. Collection method: in vitro. Allele origin: not applicable. Functional consequence: skipped exon, retained intron. Not counted in ClinVar's aggregate classification.

Literature cited by the submitters: PubMed 35039925 (cited by Arnesen Lab, University of Bergen).

NM_003491.4(NAA10):c.386A>C (p.Gln129Pro)

Gene: NAA10 (N-alpha-acetyltransferase 10, NatA catalytic subunit; minus strand). Cytogenetic location: Xq28.
Variant type: single nucleotide variant.
Coding change: c.386A>C on transcript NM_003491.4 (MANE Select); coding-DNA position 386, A replaced by C.
Protein change: p.Gln129Pro; replaces glutamine 129 with proline.
Molecular consequence: missense variant. On other transcripts: intron variant (1).
Genome position (GRCh38, 1-based): chrX:153,932,071, T>G on the plus strand (A>C on the coding strand, the complement: NAA10 is on the minus strand). VCF-style: chrX-153932071-T-G. GRCh37 (hg19) VCF-style: chrX-153197524-T-G.
Other names: Gln129Pro; c.368A>C, p.Gln123Pro (NM_001256120.2); c.341+245A>C (NM_001256119.2); short protein forms Q129P, Q123P.
Identifiers: ClinVar variation 843535 (VCV000843535.15), dbSNP rs2065169457, ClinGen allele CA415158401.